The following is an entry in ClinVar:

NM_000030.3(AGXT):c.242C>T (p.Ser81Leu)

Gene: AGXT (alanine--glyoxylate aminotransferase; plus strand). Cytogenetic location: 2q37.3.
Variant type: single nucleotide variant.
Coding change: c.242C>T on transcript NM_000030.3 (MANE Select); coding-DNA position 242, C replaced by T.
Protein change: p.Ser81Leu; replaces serine 81 with leucine.
Molecular consequence: missense variant.
Genome position (GRCh38, 1-based): chr2:240,869,246, C>T. VCF-style: chr2-240869246-C-T. GRCh37 (hg19) VCF-style: chr2-241808663-C-T.
Other names: short protein forms S81L.
Identifiers: ClinVar variation 204083 (VCV000204083.37), dbSNP rs180177184, ClinGen allele CA275652.

ClinVar aggregate classification (germline): Pathogenic/Likely pathogenic. Review status: criteria provided, multiple submitters, no conflicts (2 of 4 stars). 7 submissions from 7 submitters: Pathogenic (5); Likely pathogenic (1). 1 of the submissions does not count toward it. Last evaluated 2024-06-26.

Conditions:
Inborn genetic diseases. Identifiers: MedGen C0950123, MeSH D030342.
Primary hyperoxaluria. Identifiers: Orphanet 416, MedGen C0020501, MONDO:0002474.
Primary hyperoxaluria, type I (HP1). Also called: GLYCOLIC ACIDURIA; HEPATIC AGT DEFICIENCY; OXALOSIS I; Primary hyperoxaluria type 1. Identifiers: Orphanet 416, Orphanet 93598, MedGen C0268164, MONDO:0009823, OMIM 259900. Disease mechanism: loss of function.

Allele frequency attached by ClinVar (database versions not stated): gnomAD exomes 0.00001 and below 0.00001; TOPMed 0.00001.
gnomAD v4.1: 2 of 1,613,760 alleles (0.00012%); highest among the groups gnomAD compares: African/African-American, 0.0013%; no homozygotes.

Submissions (7):

Labcorp Genetics (formerly Invitae), Labcorp
Classification: Pathogenic. Last evaluated: 2024-06-26. Review status: criteria provided, single submitter. Criteria: Invitae Variant Classification Sherloc (09022015). Collection method: clinical testing. Allele origin: germline.
Comment: This sequence change replaces serine, which is neutral and polar, with leucine, which is neutral and non-polar, at codon 81 of the AGXT protein (p.Ser81Leu). This variant is present in population databases (rs180177184, gnomAD 0.007%). This missense change has been observed in individuals with primary hyperoxaluria type 1 (PMID: 20564000, 24988064). ClinVar contains an entry for this variant (Variation ID: 204083). Advanced modeling of protein sequence and biophysical properties (such as structural, functional, and spatial information, amino acid conservation, physicochemical variation, residue mobility, and thermodynamic stability) performed at Invitae indicates that this missense variant is expected to disrupt AGXT protein function with a positive predictive value of 80%. Experimental studies have shown that this missense change affects AGXT function (PMID: 24990153). For these reasons, this variant has been classified as Pathogenic.

Ambry Genetics
Classification: Pathogenic for Inborn genetic diseases. Last evaluated: 2024-06-06. Review status: criteria provided, single submitter. Criteria: Ambry Variant Classification Scheme 2023. Collection method: clinical testing. Allele origin: germline.
Comment: The c.242C>T (p.S81L) alteration is located in exon 2 (coding exon 2) of the AGXT gene. This alteration results from a C to T substitution at nucleotide position 242, causing the serine (S) at amino acid position 81 to be replaced by a leucine (L). Based on data from gnomAD, the T allele has an overall frequency of 0.001% (3/251240) total alleles studied. The highest observed frequency was 0.006% (1/16242) of African alleles. This alteration was detected in conjunction with another alteration in AGXT, in multiple individuals with AGXT-related primary hyperoxaluria (Montioli, 2014; Mandrile, 2014). This amino acid position is not well conserved in available vertebrate species. In an assay testing AGXT function, this variant showed a functionally abnormal result (Montioli, 2014). This alteration is predicted to be deleterious by in silico analysis. Based on the available evidence, this alteration is classified as pathogenic.

Baylor Genetics
Classification: Pathogenic for Primary hyperoxaluria, type I. Last evaluated: 2024-03-25. Review status: criteria provided, single submitter. Criteria: ACMG Guidelines, 2015. Collection method: clinical testing. Allele origin: unknown.

Fulgent Genetics
Classification: Likely pathogenic for Primary hyperoxaluria, type I. Last evaluated: 2024-03-23. Review status: criteria provided, single submitter. Criteria: ACMG Guidelines, 2015. Collection method: clinical testing. Allele origin: germline.

CeGaT Center for Human Genetics Tuebingen
Classification: Pathogenic. Last evaluated: 2024-03-01. Review status: criteria provided, single submitter. Criteria: CeGaT Center For Human Genetics Tuebingen Variant Classification Criteria Version 2. Collection method: clinical testing. Allele origin: germline. Affected: yes. Observed: 2 variant alleles.
Comment: AGXT: PM3:Very Strong, PM1, PM2, PP4, PS3:Supporting

Women's Health and Genetics/Laboratory Corporation of America, LabCorp
Classification: Pathogenic for Primary hyperoxaluria. Last evaluated: 2022-06-03. Review status: criteria provided, single submitter. Criteria: LabCorp Variant Classification Summary - May 2015. Collection method: clinical testing. Allele origin: germline.
Comment: Variant summary: AGXT c.242C>T (p.Ser81Leu) results in a non-conservative amino acid change in the encoded protein sequence. Five of five in-silico tools predict a damaging effect of the variant on protein function. The variant allele was found at a frequency of 1.2e-05 in 251240 control chromosomes (gnomAD). The variant, c.242C>T, has been reported in the literature in compound heterozygous individuals affected with Primary Hyperoxaluria Type 1(Montioli_2014, Williams_2009, Mandrile_2014); the variant was noted to be found on the major allele, and was described to be associated with an earlier onset of end-stage renal disease (ESRD) when it occurred in trans with a null mutation, compared to when occurring in trans with the p.G170R mutation (Montioli_2014, Mandrile_2014). These data indicate that the variant is likely to be associated with disease. At least one publication reported experimental evidence evaluating an impact on protein function, and demonstrated that the variant didn't affect the expression level of the protein, however, it resulted in a severely decreased pyridoxal phosphate binding, with less than ~5% residual activity in the absence of PLP, while in the presence of PLP the specific activity was ~20% of the WT (Montioli_2014). One clinical diagnostic laboratory has submitted clinical-significance assessments for this variant to ClinVar after 2014 without evidence for independent evaluation, and classified the variant as pathogenic. Based on the evidence outlined above, the variant was classified as pathogenic.

Clinical Biochemistry Laboratory, Health Services Laboratory
Classification: Pathogenic for Primary hyperoxaluria, type I. Last evaluated: 2014-11-27. Review status: no assertion criteria provided. Collection method: research. Allele origin: germline. Affected: yes. Not counted in ClinVar's aggregate classification.

Literature cited by the submitters: PubMed 20564000 (cited by Labcorp Genetics (formerly Invitae), Labcorp); PubMed 24988064 (cited by 3 submitters); PubMed 24990153 (cited by 3 submitters); PubMed 19479957 (cited by Women's Health and Genetics/Laboratory Corporation of America, LabCorp and Clinical Biochemistry Laboratory, Health Services Laboratory).